The following is an entry in ClinVar:

ClinVar aggregate classification (germline): Uncertain significance. Review status: criteria provided, single submitter (1 of 4 stars). 2 submissions from 2 submitters: Uncertain significance (1). 1 of the submissions does not count toward it. Last evaluated 2025-10-02.

Conditions:
Atypical hemolytic-uremic syndrome. Identifiers: Orphanet 2134, MedGen C2931788, MONDO:0016244.

Submissions (2):

Genomenon, Inc
Classification: Uncertain significance for Atypical hemolytic-uremic syndrome. Last evaluated: 2025-10-02. Review status: criteria provided, single submitter. Criteria: Genomenon Sequence Variant Interpretation Standards - Updated. Collection method: curation. Allele origin: germline. Affected: yes.
Comment: CFH p.Cys691Arg (c.2071T>C) is a missense variant that changes the amino acid at residue 691 from Cysteine to Arginine. This variant has been observed in at least one proband affected with atypical hemolytic-uremic syndrome (PMID:28844315). It is absent or not present at a significant frequency in gnomAD. In silico models agree that this variant is possibly or probably damaging. In conclusion, we classify CFH p.Cys691Arg (c.2071T>C) as a variant of uncertain significance.

Sydney Genome Diagnostics, Children's Hospital Westmead
Classification: Uncertain significance for Atypical hemolytic-uremic syndrome. Last evaluated: 2017-10-26. Review status: no assertion criteria provided. Collection method: clinical testing. Allele origin: unknown. Affected: yes. Observed: 1 variant allele, 1 heterozygote. Not counted in ClinVar's aggregate classification.
Comment: The variant has not been reported in any population databases (i.e. ExAC, ESP or dbSNP). To our knowledge, this variant has not been previously reported in the literature or any disease specific databases. In silico analysis of pathogenicity (through Alamut Visual v2.8.1) using PolyPhen2, SIFT, MutationTaster and Align GVGD suggest that this variant is likely to be pathogenic. However, this analysis alone cannot be used to confirm pathogenicity. This variant is considered to be a variant of uncertain clinical significance (VOUS) according to the ACMG guidelines.

Literature cited by the submitters: PubMed 28844315 (cited by Genomenon, Inc).

NM_000186.4(CFH):c.2071T>C (p.Cys691Arg)

Gene: CFH (complement factor H; plus strand). Cytogenetic location: 1q31.3.
Variant type: single nucleotide variant.
Coding change: c.2071T>C on transcript NM_000186.4 (MANE Select); coding-DNA position 2071, T replaced by C.
Protein change: p.Cys691Arg; replaces cysteine 691 with arginine.
Molecular consequence: missense variant.
Genome position (GRCh38, 1-based): chr1:196,726,775, T>C. VCF-style: chr1-196726775-T-C. GRCh37 (hg19) VCF-style: chr1-196695905-T-C.
Other names: short protein forms C691R.
Identifiers: ClinVar variation 988142 (VCV000988142.2), dbSNP rs1669151290, ClinGen allele CA343988494.